The following is an entry in ClinVar:

ClinVar aggregate classification (germline): Uncertain significance (1 of 4 stars; one submission).

Submission:

GeneDx
Classification: Uncertain significance. Last evaluated: 2024-04-15. Review status: criteria provided, single submitter. Criteria: GeneDx Variant Classification Process June 2021. Collection method: clinical testing. Allele origin: germline. Affected: yes.
Comment: Not observed at significant frequency in large population cohorts (gnomAD); In silico analysis supports that this missense variant has a deleterious effect on protein structure/function; Has not been previously published as pathogenic or benign to our knowledge

NM_080632.3(UPF3B):c.512A>T (p.Asn171Ile)

Gene: UPF3B (UPF3B regulator of nonsense mediated mRNA decay; minus strand). Cytogenetic location: Xq24.
Variant type: single nucleotide variant.
Coding change: c.512A>T on transcript NM_080632.3 (MANE Select); coding-DNA position 512, A replaced by T.
Protein change: p.Asn171Ile; replaces asparagine 171 with isoleucine.
Molecular consequence: missense variant.
Genome position (GRCh38, 1-based): chrX:119,843,259, T>A on the plus strand (A>T on the coding strand, the complement: UPF3B is on the minus strand). VCF-style: chrX-119843259-T-A. GRCh37 (hg19) VCF-style: chrX-118977222-T-A.
Other names: c.512A>T, p.Asn171Ile (NM_023010.4); short protein forms N171I.
Identifiers: ClinVar variation 3371715 (VCV003371715.1).